The following is an entry in ClinVar:

NM_002691.4(POLD1):c.1986C>G (p.Asn662Lys)

Gene: POLD1 (DNA polymerase delta 1, catalytic subunit; plus strand). Cytogenetic location: 19q13.33.
Variant type: single nucleotide variant.
Coding change: c.1986C>G on transcript NM_002691.4 (MANE Select); coding-DNA position 1986, C replaced by G.
Protein change: p.Asn662Lys; replaces asparagine 662 with lysine.
Molecular consequence: missense variant. On other transcripts: non-coding transcript variant (1).
Genome position (GRCh38, 1-based): chr19:50,409,215, C>G. VCF-style: chr19-50409215-C-G. GRCh37 (hg19) VCF-style: chr19-50912472-C-G.
Other names: c.1986C>G, p.Asn662Lys (NM_001256849.1); c.2064C>G, p.Asn688Lys (NM_001308632.1); c.1986C>G (NM_002691.2); short protein forms N662K, N688K.
Identifiers: ClinVar variation 2813320 (VCV002813320.4), dbSNP rs878854530, ClinGen allele CA406982380.
Genomic context (GRCh38, chr19:50,409,215, plus strand): 5'-CGGGGACGAGTTTGTGAAGACCTCAGTGCGGAAGGGGCTGCTGCCCCAGATCCTGGAGAA[C>G]CTGCTCAGTGCCCGGAAGAGGTGAGCCCTGGAGATCGCCTGCTTGGAGCTCAGACCTGTT-3'
Protein context (NP_002682.2, residues 652-672): RKGLLPQILE[Asn662Lys]LLSARKRAKA

ClinVar aggregate classification (germline): Uncertain significance. Review status: criteria provided, multiple submitters, no conflicts (2 of 4 stars). 2 submissions from 2 submitters: Uncertain significance (2). Last evaluated 2023-09-27.

Conditions:
POLD1-related polyposis and colorectal cancer syndrome (CRCS10). Also called: Colorectal cancer 10; Colorectal cancer, susceptibility to, 10; COLORECTAL CANCER, SUSCEPTIBILITY TO, ON CHROMOSOME 19q. Identifiers: Orphanet 220460, MedGen C2675481, MONDO:0012953, OMIM 612591.
Hereditary cancer-predisposing syndrome. Also called: Tumor predisposition; Hereditary Cancer Syndrome; Hereditary neoplastic syndrome; Neoplastic Syndromes, Hereditary. Identifiers: Orphanet 140162, MedGen C0027672, MeSH D009386, MONDO:0015356.

Submissions (2):

Ambry Genetics
Classification: Uncertain significance for Hereditary cancer-predisposing syndrome. Last evaluated: 2023-09-27. Review status: criteria provided, single submitter. Criteria: Ambry Variant Classification Scheme 2023. Collection method: clinical testing. Allele origin: germline.
Comment: The p.N662K variant (also known as c.1986C>G), located in coding exon 15 of the POLD1 gene, results from a C to G substitution at nucleotide position 1986. The asparagine at codon 662 is replaced by lysine, an amino acid with similar properties. This amino acid position is conserved. In addition, this alteration is predicted to be tolerated by in silico analysis. Since supporting evidence is limited at this time, the clinical significance of this alteration remains unclear.

Labcorp Genetics (formerly Invitae), Labcorp
Classification: Uncertain significance for POLD1-related polyposis and colorectal cancer syndrome. Last evaluated: 2022-11-10. Review status: criteria provided, single submitter. Criteria: Invitae Variant Classification Sherloc (09022015). Collection method: clinical testing. Allele origin: germline.
Comment: This sequence change replaces asparagine, which is neutral and polar, with lysine, which is basic and polar, at codon 662 of the POLD1 protein (p.Asn662Lys). This variant is not present in population databases (gnomAD no frequency). This variant has not been reported in the literature in individuals affected with POLD1-related conditions. Advanced modeling of protein sequence and biophysical properties (such as structural, functional, and spatial information, amino acid conservation, physicochemical variation, residue mobility, and thermodynamic stability) performed at Invitae indicates that this missense variant is not expected to disrupt POLD1 protein function. In summary, the available evidence is currently insufficient to determine the role of this variant in disease. Therefore, it has been classified as a Variant of Uncertain Significance.